The following is an entry in ClinVar:

ClinVar aggregate classification (germline): Uncertain significance (1 of 4 stars; one submission).

Allele frequency attached by ClinVar (database versions not stated): gnomAD 0.00001; gnomAD exomes 0.00001; TOPMed 0.00001; ExAC 0.00002.
gnomAD v4.1: 8 of 1,613,816 alleles (0.0005%); highest among the groups gnomAD compares: East Asian, 0.0022%; no homozygotes.

Submission:

Labcorp Genetics (formerly Invitae), Labcorp
Classification: Uncertain significance. Last evaluated: 2024-11-11. Review status: criteria provided, single submitter. Criteria: Invitae Variant Classification Sherloc (09022015). Collection method: clinical testing. Allele origin: germline.
Comment: This sequence change replaces arginine, which is basic and polar, with cysteine, which is neutral and slightly polar, at codon 17 of the ACY1 protein (p.Arg17Cys). This variant is present in population databases (rs749167670, gnomAD 0.003%). This variant has not been reported in the literature in individuals affected with ACY1-related conditions. ClinVar contains an entry for this variant (Variation ID: 1496425). Invitae Evidence Modeling of protein sequence and biophysical properties (such as structural, functional, and spatial information, amino acid conservation, physicochemical variation, residue mobility, and thermodynamic stability) has been performed for this missense variant. However, the output from this modeling did not meet the statistical confidence thresholds required to predict the impact of this variant on ACY1 protein function. In summary, the available evidence is currently insufficient to determine the role of this variant in disease. Therefore, it has been classified as a Variant of Uncertain Significance.

NM_000666.3(ACY1):c.49C>T (p.Arg17Cys)

Genes: ABHD14A-ACY1 (ABHD14A-ACY1 readthrough; plus strand), ACY1 (aminoacylase 1; plus strand). Cytogenetic location: 3p21.2.
Variant type: single nucleotide variant.
Coding change: c.49C>T on transcript NM_000666.3 (MANE Select); coding-DNA position 49, C replaced by T.
Protein change: p.Arg17Cys; replaces arginine 17 with cysteine.
Molecular consequence: missense variant.
Genome position (GRCh38, 1-based): chr3:51,984,113, C>T. VCF-style: chr3-51984113-C-T. GRCh37 (hg19) VCF-style: chr3-52018129-C-T.
Other names: c.49C>T, p.Arg17Cys (NM_001198896.2, NM_001198897.2, NM_001198898.2 and 1 more transcripts); c.319C>T, p.Arg107Cys (NM_001316331.2); short protein forms R17C, R107C.
Identifiers: ClinVar variation 1496425 (VCV001496425.6), dbSNP rs749167670, ClinGen allele CA2428323.